The following is an entry in ClinVar:

ClinVar aggregate classification (germline): Uncertain significance (1 of 4 stars; one submission).

Conditions:
Naxos disease (NXD). Also called: PALMOPLANTAR KERATODERMA WITH ARRHYTHMOGENIC RIGHT VENTRICULAR CARDIOMYOPATHY AND WOOLLY HAIR; WOOLLY HAIR, PALMOPLANTAR KERATODERMA, AND CARDIAC ABNORMALITIES; KERATOSIS PALMOPLANTARIS WITH ARRHYTHMOGENIC CARDIOMYOPATHY; MAL DE NAXOS; CARDIOMYOPATHY, ARRHYTHMOGENIC RIGHT VENTRICULAR, WITH SKIN, HAIR, AND NAIL ABNORMALITIES. Identifiers: Orphanet 34217, MedGen C1832600, MONDO:0011017, OMIM 601214.
Arrhythmogenic right ventricular dysplasia 12. Also called: ARRHYTHMOGENIC RIGHT VENTRICULAR DYSPLASIA, FAMILIAL, 12. Identifiers: MedGen C1969081, MONDO:0012684, OMIM 611528.

Submission:

Labcorp Genetics (formerly Invitae), Labcorp
Classification: Uncertain significance for Arrhythmogenic right ventricular dysplasia 12; Naxos disease. Last evaluated: 2021-11-29. Review status: criteria provided, single submitter. Criteria: Invitae Variant Classification Sherloc (09022015). Collection method: clinical testing. Allele origin: germline.
Comment: In summary, the available evidence is currently insufficient to determine the role of this variant in disease. Therefore, it has been classified as a Variant of Uncertain Significance. Algorithms developed to predict the effect of missense changes on protein structure and function are either unavailable or do not agree on the potential impact of this missense change (SIFT: "Deleterious"; PolyPhen-2: "Benign"; Align-GVGD: "Class C0"). This variant has not been reported in the literature in individuals affected with JUP-related conditions. This variant is not present in population databases (gnomAD no frequency). This sequence change replaces tyrosine, which is neutral and polar, with cysteine, which is neutral and slightly polar, at codon 660 of the JUP protein (p.Tyr660Cys).

NM_002230.4(JUP):c.1979A>G (p.Tyr660Cys)

Gene: JUP (junction plakoglobin; minus strand). Cytogenetic location: 17q21.2.
Variant type: single nucleotide variant.
Coding change: c.1979A>G on transcript NM_002230.4 (MANE Select); coding-DNA position 1979, A replaced by G.
Protein change: p.Tyr660Cys; replaces tyrosine 660 with cysteine.
Molecular consequence: missense variant.
Genome position (GRCh38, 1-based): chr17:41,757,482, T>C on the plus strand (A>G on the coding strand, the complement: JUP is on the minus strand). VCF-style: chr17-41757482-T-C. GRCh37 (hg19) VCF-style: chr17-39913734-T-C.
Other names: c.1979A>G, p.Tyr660Cys (NM_001352773.2, NM_001352774.2, NM_001352775.2 and 3 more transcripts); short protein forms Y660C.
Identifiers: ClinVar variation 1487929 (VCV001487929.6), dbSNP rs1555598672, ClinGen allele CA399491873.